The following is an entry in ClinVar:

NM_000432.4(MYL2):c.49G>A (p.Val17Met)

Genes: MYL2 (myosin light chain 2; minus strand), LOC114827850 (VISTA enhancer hs2149; plus strand). Cytogenetic location: 12q24.11.
Variant type: single nucleotide variant.
Coding change: c.49G>A on transcript NM_000432.4 (MANE Select); coding-DNA position 49, G replaced by A.
Protein change: p.Val17Met; replaces valine 17 with methionine.
Molecular consequence: missense variant.
Genome position (GRCh38, 1-based): chr12:110,919,148, C>T on the plus strand (G>A on the coding strand, the complement: MYL2 is on the minus strand). VCF-style: chr12-110919148-C-T. GRCh37 (hg19) VCF-style: chr12-111356952-C-T.
Other names: p.V17M:GTG>ATG; p.Val17Met; short protein forms V17M.
Identifiers: ClinVar variation 181424 (VCV000181424.26), dbSNP rs730880943, ClinGen allele CA010480.
Genomic context (GRCh38, chr12:110,919,148, plus strand): 5'-CAATAGCTGCACCCACCTCCTTAAATTCCTGGATTTGGGTCTGTTCGAACATGGAGAACA[C>T]GTTGGAGTTGGCGCCCCCGGCTCTCTTCTTTGCTTTCTTAGGTGCCTGGGGGAAAAAAGC-3'
Protein context (NP_000423.2, residues 7-27): KKRAGGANSN[Val17Met]FSMFEQTQIQ

ClinVar aggregate classification (germline): Uncertain significance. Review status: criteria provided, multiple submitters, no conflicts (2 of 4 stars). 8 submissions from 8 submitters: Uncertain significance (8). Last evaluated 2025-08-25.

Conditions:
Cardiovascular phenotype. Identifiers: MedGen CN230736.
Myopathy, myofibrillar, 12, infantile-onset, with cardiomyopathy. Identifiers: MedGen C5561937, MONDO:0859168, OMIM 619424.
Hypertrophic cardiomyopathy 10. Also called: CARDIOMYOPATHY, HYPERTROPHIC, MID-LEFT VENTRICULAR CHAMBER TYPE, 2; MYL2-Related Familial Hypertrophic Cardiomyopathy. Identifiers: MedGen C1834460, MONDO:0012112, OMIM 608758.
Cardiomyopathy (CMYO). Also called: Cardiomyopathies. Identifiers: Orphanet 167848, MedGen C0878544, MONDO:0004994, HP:0001638. Inheritance: Various modes of inheritance.
Hypertrophic cardiomyopathy. Also called: HYPERTROPHIC MYOCARDIOPATHY. Identifiers: Orphanet 217569, MedGen C0007194, MeSH D002312, MONDO:0005045, HP:0001639.

Allele frequency attached by ClinVar (database versions not stated): ExAC 0.00002; TOPMed 0.00002; gnomAD 0.00003.
gnomAD v4.1: 15 of 1,613,874 alleles (0.00093%); highest among the groups gnomAD compares: East Asian, 0.0067%; no homozygotes.

Submissions (8):

GeneDx
Classification: Uncertain significance. Last evaluated: 2025-08-25. Review status: criteria provided, single submitter. Criteria: GeneDx Variant Classification Process June 2021. Collection method: clinical testing. Allele origin: germline. Affected: yes.
Comment: Not observed at significant frequency in large population cohorts (gnomAD); In silico analysis supports that this missense variant has a deleterious effect on protein structure/function; This variant is associated with the following publications: (PMID: 39534979, 32815737, 37652022, 28640247, 30297972)

Color Diagnostics, LLC DBA Color Health
Classification: Uncertain significance for Cardiomyopathy. Last evaluated: 2025-06-11. Review status: criteria provided, single submitter. Criteria: ACMG Guidelines, 2015. Collection method: clinical testing. Allele origin: germline.
Comment: This missense variant replaces valine with methionine at codon 17 of the MYL2 protein. Computational prediction suggests that this variant may have a deleterious impact on protein structure and function. To our knowledge, functional studies have not been reported for this variant. This variant has been reported in individuals affected with hypertrophic cardiomyopathy (PMID: 28640247, 37652022). This variant has been identified in 5/251464 chromosomes in the general population by the Genome Aggregation Database (gnomAD). The available evidence is insufficient to determine the role of this variant in disease conclusively. Therefore, this variant is classified as a Variant of Uncertain Significance.

Ambry Genetics
Classification: Uncertain significance for Cardiovascular phenotype. Last evaluated: 2025-06-05. Review status: criteria provided, single submitter. Criteria: Ambry Variant Classification Scheme 2023. Collection method: clinical testing. Allele origin: germline.
Comment: The p.V17M variant (also known as c.49G>A), located in coding exon 2 of the MYL2 gene, results from a G to A substitution at nucleotide position 49. The valine at codon 17 is replaced by methionine, an amino acid with highly similar properties. This alteration has been reported in hypertrophic cardiomyopathy (HCM) cohorts; however, clinical details were limited, and there is possible cohort overlap (Ho CY et al. Circulation, 2018 Oct;138:1387-1398; Ko C et al. Genet Med, 2018 Jan;20:69-75; Pua CJ et al. Circ Genom Precis Med, 2020 Oct;13:424-434; McGurk KA et al. Am J Hum Genet, 2023 Sep;110:1482-1495). This amino acid position is highly conserved in available vertebrate species. In addition, this alteration is predicted to be deleterious by in silico analysis. Based on the available evidence, the clinical significance of this variant remains unclear.

Labcorp Genetics (formerly Invitae), Labcorp
Classification: Uncertain significance for Hypertrophic cardiomyopathy 10. Last evaluated: 2025-01-07. Review status: criteria provided, single submitter. Criteria: Invitae Variant Classification Sherloc (09022015). Collection method: clinical testing. Allele origin: germline.
Comment: This sequence change replaces valine, which is neutral and non-polar, with methionine, which is neutral and non-polar, at codon 17 of the MYL2 protein (p.Val17Met). This variant is present in population databases (rs730880943, gnomAD 0.02%). This missense change has been observed in individuals with hypertrophic cardiomyopathy (PMID: 28640247; internal data). ClinVar contains an entry for this variant (Variation ID: 181424). An algorithm developed to predict the effect of missense changes on protein structure and function (PolyPhen-2) suggests that this variant is likely to be disruptive. In summary, the available evidence is currently insufficient to determine the role of this variant in disease. Therefore, it has been classified as a Variant of Uncertain Significance.

Mayo Clinic Laboratories, Mayo Clinic
Classification: Uncertain significance. Last evaluated: 2024-06-26. Review status: criteria provided, single submitter. Criteria: ACMG Guidelines, 2015. Collection method: clinical testing. Allele origin: germline. Observed: 1 variant allele.

All of Us Research Program, National Institutes of Health
Classification: Uncertain significance for Hypertrophic cardiomyopathy. Last evaluated: 2024-01-11. Review status: criteria provided, single submitter. Criteria: ACMG Guidelines, 2015. Collection method: clinical testing. Allele origin: germline. Inheritance: Autosomal dominant inheritance. Observed: 7 variant alleles, 7 heterozygotes.
Comment: Variant of Uncertain Significance due to insufficient evidence: This missense variant replaces valine with methionine at codon 17 of the MYL2 protein. Computational prediction tools and conservation analyses are inconclusive regarding the impact of this variant on the protein function. Computational splicing tools suggest that this variant may not impact RNA splicing. To our knowledge, functional assays have not been performed for this variant nor has this variant been reported in individuals affected with cardiovascular disorders in the literature. This variant has been identified in 5/246252 chromosomes in the general population by the Genome Aggregation Database (gnomAD). Available evidence is insufficient to determine the role of this variant in disease conclusively.

This study involves interpretation of variants in research participants for the purpose of population health screening. Participant phenotype was not available at the time of variant classification. Additional details can be found in publication PMID: 35346344, PMCID: PMC8962531

Fulgent Genetics
Classification: Uncertain significance for Hypertrophic cardiomyopathy 10; Myopathy, myofibrillar, 12, infantile-onset, with cardiomyopathy. Last evaluated: 2022-02-01. Review status: criteria provided, single submitter. Criteria: ACMG Guidelines, 2015. Collection method: clinical testing. Allele origin: unknown.

University of Washington Department of Laboratory Medicine, University of Washington
Classification: Uncertain significance for Hypertrophic cardiomyopathy 10. Last evaluated: 2021-12-07. Review status: criteria provided, single submitter. Criteria: ACMG Guidelines, 2015. Collection method: clinical testing. Allele origin: unknown. Affected: yes.
Comment: The p.Val17Met variant in the MYL2 gene has been previously reported in 1 individual with hypertrophic cardiomyopathy (Ko 2018) and has been submitted to ClinVar (Variation ID: 181424). The p.Val17Met variant has been identified in 5/251464 chromosomes by the Genome Aggregation Database and 3/3478 chromosomes by the Genome Asia Database. In silico tools predict that the variant the p.Val17Met variant is deleterious; however, these predictions have not been tested directly. Using ACMG guidelines, this variant was classified as a variant of uncertain significance (ACMG evidence codes used: PP3).

Literature cited by the submitters: PubMed 28640247 (cited by 4 submitters); PubMed 37652022 (cited by 3 submitters); PubMed 30297972 (cited by Ambry Genetics); PubMed 32815737 (cited by Ambry Genetics).